The following is an entry in ClinVar:

ClinVar aggregate classification (germline): Likely benign (1 of 4 stars; one submission).

Allele frequency attached by ClinVar (database versions not stated): ExAC below 0.00001; TOPMed below 0.00001; gnomAD exomes 0.00001 and 0.00002; gnomAD 0.00003; ESP Exome Variant Server 0.00008.
gnomAD v4.1: 33 of 1,484,190 alleles (0.0022%); highest among the groups gnomAD compares: Non-Finnish European, 0.0029%; no homozygotes.

Submission:

GeneDx
Classification: Likely benign. Last evaluated: 2018-02-02. Review status: criteria provided, single submitter. Criteria: GeneDx Variant Classification (06012015). Collection method: clinical testing. Allele origin: germline. Affected: yes.
Comment: This variant is considered likely benign or benign based on one or more of the following criteria: it is a conservative change, it occurs at a poorly conserved position in the protein, it is predicted to be benign by multiple in silico algorithms, and/or has population frequency not consistent with disease.

NM_153033.5(KCTD7):c.-32C>T

Genes: KCTD7 (potassium channel tetramerization domain containing 7; plus strand), LOC129998533 (ATAC-STARR-seq lymphoblastoid silent region 18210; plus strand). Cytogenetic location: 7q11.21.
Variant type: single nucleotide variant.
Coding change: c.-32C>T on transcript NM_153033.5 (MANE Select); 32 bases upstream of the start codon, C replaced by T.
Molecular consequence: 5 prime UTR variant.
Genome position (GRCh38, 1-based): chr7:66,629,033, C>T. VCF-style: chr7-66629033-C-T. GRCh37 (hg19) VCF-style: chr7-66094020-C-T.
Other names: c.-32C>T (NM_001167961.2).
Identifiers: ClinVar variation 515044 (VCV000515044.1), dbSNP rs368529427, ClinGen allele CA4278137.